The following is an entry in ClinVar:

ClinVar aggregate classification (germline): Pathogenic/Likely pathogenic. Review status: criteria provided, multiple submitters, no conflicts (2 of 4 stars). 4 submissions from 4 submitters: Pathogenic (1); Likely pathogenic (1). 2 of the submissions do not count toward it. Last evaluated 2024-06-04.

Conditions:
Monilethrix-1. Identifiers: MedGen C6012688, MONDO:0700343, OMIM 158000.
Monilethrix. Also called: Beaded hair. Identifiers: Orphanet 573, MedGen C0546966, MONDO:0008009, HP:0032470.

Allele frequency attached by ClinVar (database versions not stated): TOPMed below 0.00001; ExAC 0.00001; gnomAD 0.00001; gnomAD exomes below 0.00001; ESP Exome Variant Server 0.00008.
gnomAD v4.1: 2 of 1,613,572 alleles (0.00012%); highest among the groups gnomAD compares: Non-Finnish European, 0.00017%; no homozygotes.

Submissions (4):

3billion
Classification: Likely pathogenic for Monilethrix-1. Last evaluated: 2024-06-04. Review status: criteria provided, single submitter. Criteria: ACMG Guidelines, 2015. Collection method: clinical testing. Allele origin: germline. Affected: yes.
Comment: The variant is observed at an extremely low frequency in the gnomAD v4.1.0 dataset (total allele frequency: <0.001%). Predicted Consequence/Location: Missense variant. Missense changes are a common disease-causing mechanism. In silico tool predictions suggest damaging effect of the variant on gene or gene product [REVEL: 0.95 (>=0.6, sensitivity 0.68 and specificity 0.92); 3Cnet: 0.47 (>=0.6, sensitivity 0.72 and precision 0.9)]. The same nucleotide change resulting in the same amino acid change has been previously reported to be associated with KRT86-related disorder (ClinVar ID: VCV000007611 /PMID: 10469314).A different missense change at the same codon (p.Glu402Gln) has been reported to be associated with KRT86-related disorder (ClinVar ID: VCV000007613 /PMID: 10594761). Therefore, this variant is classified as Likely pathogenic according to the recommendation of ACMG/AMP guideline.

Clinical Genetics Service, Universitary Hospital 12 de Octubre
Classification: Pathogenic for Monilethrix-1. Review status: criteria provided, single submitter. Criteria: ACMG Guidelines, 2015. Collection method: clinical testing. Allele origin: germline. Affected: yes.

OMIM
Classification: Pathogenic for MONILETHRIX 1. Last evaluated: 2009-01-01. Review status: no assertion criteria provided. Collection method: literature only. Allele origin: germline. Not counted in ClinVar's aggregate classification.

Epithelial Biology;  Institute of Medical Biology, Singapore
No classification provided. Review status: no classification provided. Collection method: not provided. Allele origin: not provided. Not counted in ClinVar's aggregate classification.

Literature cited by the submitters: PubMed 10594761 (cited by 3billion and OMIM); PubMed 10469314 (cited by 3billion and OMIM); PubMed 15744029 (cited by OMIM); PubMed 19400537 (cited by OMIM).

NM_001320198.2(KRT86):c.1204G>A (p.Glu402Lys)

Gene: KRT86 (keratin 86; plus strand). Cytogenetic location: 12q13.13.
Variant type: single nucleotide variant.
Coding change: c.1204G>A on transcript NM_001320198.2 (MANE Select); coding-DNA position 1204, G replaced by A.
Protein change: p.Glu402Lys; replaces glutamic acid 402 with lysine.
Molecular consequence: missense variant.
Genome position (GRCh38, 1-based): chr12:52,306,237, G>A. VCF-style: chr12-52306237-G-A. GRCh37 (hg19) VCF-style: chr12-52700021-G-A.
Other names: short protein forms E402K.
Identifiers: ClinVar variation 7611 (VCV000007611.4), dbSNP rs60687604, ClinGen allele CA118926.